The following is an entry in ClinVar:

NM_000529.2(MC2R):c.429C>T (p.Thr143=)

Gene: MC2R (melanocortin 2 receptor; minus strand). Cytogenetic location: 18p11.21.
Variant type: single nucleotide variant.
Coding change: c.429C>T on transcript NM_000529.2 (MANE Select); coding-DNA position 429, C replaced by T.
Protein change: p.Thr143=; no amino-acid change (threonine 143 retained).
Molecular consequence: synonymous variant.
Genome position (GRCh38, 1-based): chr18:13,885,090, G>A on the plus strand (C>T on the coding strand, the complement: MC2R is on the minus strand). VCF-style: chr18-13885090-G-A. GRCh37 (hg19) VCF-style: chr18-13885089-G-A.
Other names: c.429C>T, p.Thr143= (NM_001291911.1).
Identifiers: ClinVar variation 726119 (VCV000726119.33), dbSNP rs138421793, ClinGen allele CA8902481.

ClinVar aggregate classification (germline): Conflicting classifications of pathogenicity. Review status: criteria provided, conflicting classifications (1 of 4 stars). 4 submissions from 4 submitters: Uncertain significance (1); Benign (1); Likely benign (2). Last evaluated 2024-11-15.

Conditions:
Glucocorticoid deficiency 1 (GCCD1). Also called: Adrenal unresponsiveness to acth; Glucocorticoid deficiency, due to ACTH unresponsiveness; FAMILIAL GLUCOCORTICOID DEFICIENCY 1. Identifiers: Orphanet 361, MedGen C4049650, MONDO:0024536, OMIM 202200.

Allele frequency attached by ClinVar (database versions not stated): 1000 Genomes Project 30x 0.00016; 1000 Genomes Project 0.00020; TOPMed 0.00066; ESP Exome Variant Server 0.00069; gnomAD 0.00119 and 0.00127.

Submissions (4):

Blueprint Genetics
Classification: Likely benign. Last evaluated: 2024-11-15. Review status: criteria provided, single submitter. Criteria: ACMG Guidelines, 2015. Collection method: clinical testing. Allele origin: germline.

CeGaT Center for Human Genetics Tuebingen
Classification: Likely benign. Last evaluated: 2024-07-01. Review status: criteria provided, single submitter. Criteria: CeGaT Center For Human Genetics Tuebingen Variant Classification Criteria Version 2. Collection method: clinical testing. Allele origin: germline. Affected: yes. Observed: 2 variant alleles.
Comment: MC2R: BP4, BP7

Labcorp Genetics (formerly Invitae), Labcorp
Classification: Benign. Last evaluated: 2019-12-31. Review status: criteria provided, single submitter. Criteria: Invitae Variant Classification Sherloc (09022015). Collection method: clinical testing. Allele origin: germline.

Illumina Laboratory Services, Illumina
Classification: Uncertain significance for Glucocorticoid deficiency 1. Last evaluated: 2017-04-27. Review status: criteria provided, single submitter. Criteria: ICSL Variant Classification Criteria 13 December 2019. Collection method: clinical testing. Allele origin: germline.